The following is an entry in ClinVar:

NM_006012.4(CLPP):c.684C>T (p.Arg228=)

Gene: CLPP (caseinolytic mitochondrial matrix peptidase proteolytic subunit; plus strand). Cytogenetic location: 19p13.3.
Variant type: single nucleotide variant.
Coding change: c.684C>T on transcript NM_006012.4 (MANE Select); coding-DNA position 684, C replaced by T.
Protein change: p.Arg228=; no amino-acid change (arginine 228 retained).
Molecular consequence: synonymous variant.
Genome position (GRCh38, 1-based): chr19:6,368,560, C>T. VCF-style: chr19-6368560-C-T. GRCh37 (hg19) VCF-style: chr19-6368571-C-T.
Identifiers: ClinVar variation 227256 (VCV000227256.4), dbSNP rs876657442, ClinGen allele CA10577117.

ClinVar aggregate classification (germline): Likely benign (1 of 4 stars; one submission).

Allele frequency attached by ClinVar (database versions not stated): gnomAD exomes below 0.00001.
gnomAD v4.1: 3 of 1,614,110 alleles (0.00019%); highest among the groups gnomAD compares: Non-Finnish European, 0.00025%; no homozygotes.

Submission:

Laboratory for Molecular Medicine, Mass General Brigham Personalized Medicine
Classification: Likely benign. Last evaluated: 2016-03-03. Review status: criteria provided, single submitter. Criteria: LMM Criteria. Collection method: clinical testing. Allele origin: germline. Observed: 1 variant allele.
Comment: p.Arg228Arg in exon 6 of CLPP: This variant is not expected to have clinical sig nificance because it does not alter an amino acid residue and is not located wit hin the splice consensus sequence.